The following is an entry in ClinVar:

ClinVar aggregate classification (germline): Pathogenic/Likely pathogenic. Review status: criteria provided, multiple submitters, no conflicts (2 of 4 stars). 10 submissions from 10 submitters: Pathogenic (8); Likely pathogenic (1). 1 of the submissions does not count toward it. Last evaluated 2026-08-26.

Conditions:
Hypophosphatemia. Also called: Hypophosphataemia. Identifiers: MedGen C0085682, MONDO:0000313, HP:0002148.
ALPL-related disorder. Also called: ALPL-related condition; ALPL-related disorders.
Adult hypophosphatasia. Identifiers: Orphanet 247676, Orphanet 436, MedGen C0268413, MONDO:1010154, OMIM 146300, MONDO:0007798.
Childhood hypophosphatasia. Identifiers: Orphanet 247667, Orphanet 436, MedGen C0220743, MONDO:1010168, OMIM 241510, MONDO:0009428.
Infantile hypophosphatasia. Identifiers: Orphanet 247651, Orphanet 436, MedGen C0268412, MONDO:1010169, OMIM 241500, MONDO:0009427.
Hypophosphatasia. Also called: Phosphoethanol-aminuria. Identifiers: Orphanet 436, MedGen C0020630, MeSH D007014, MONDO:0018570.

Submissions (10):

PreventionGenetics, part of Exact Sciences
Classification: Pathogenic for ALPL-related condition. Last evaluated: 2026-08-26. Review status: criteria provided, single submitter. Criteria: ACMG Guidelines, 2015. Collection method: clinical testing. Allele origin: germline.
Comment: The ALPL c.400_401delinsCA variant is predicted to result in an in-frame deletion and insertion. This recurrent pathogenic variant has been reported multiple times in patients with autosomal recessive or autosomal dominant hypophosphatasia and was functionally shown to result in reduced phosphatase activity (reported as p.Thr117His, Mumm et al. 2002. PubMed ID: 11855933; Whyte et al. 2009. PubMed ID:19335222; Del Angel et al. 2020. PubMed ID:32160374). The c.400_401delinsCA ALPL variant is not present in a large population database (gnomAD), indicating it is rare. This variant is interpreted as pathogenic.

Labcorp Genetics (formerly Invitae), Labcorp
Classification: Pathogenic. Last evaluated: 2026-01-26. Review status: criteria provided, single submitter. Criteria: Invitae Variant Classification Sherloc (09022015). Collection method: clinical testing. Allele origin: germline.
Comment: This sequence change replaces threonine, which is neutral and polar, with histidine, which is basic and polar, at codon 134 of the ALPL protein (p.Thr134His). This variant is present in population databases (rs786204530, gnomAD 0.005%). This missense change has been observed in individual(s) with autosomal recessive hypophosphatasia and hypophosphatasia (PMID: 11855933, 17409132, 18386808, 18925618, 19335222). In at least one individual the data is consistent with being in trans (on the opposite chromosome) from a pathogenic variant. It has also been observed to segregate with disease in related individuals. This variant is also known as p.Thr117His. ClinVar contains an entry for this variant (Variation ID: 188877). An algorithm developed to predict the effect of missense changes on protein structure and function (PolyPhen-2) suggests that this variant is likely to be disruptive. For these reasons, this variant has been classified as Pathogenic.

Genomenon, Inc
Classification: Pathogenic for Hypophosphatasia. Last evaluated: 2025-08-29. Review status: criteria provided, single submitter. Criteria: Genomenon Sequence Variant Interpretation Standards. Collection method: curation. Allele origin: germline. Affected: yes.
Comment: ALPL c.400_401delinsCA is an insertion-deletion variant that changes the amino acid at residue 134 from Threonine to Histidine. This variant has been observed in multiple probands affected with hypophosphatasia (PMID:18925618;11855933;32973344;30719581;32762706;17409132;25736332;25731960;18386808;19335222;17253930). The variant was found to segregate with disease in at least one affected family (PMID:17409132). At least one functional study has demonstrated a substantial alteration in protein function relative to the wild-type (PMID:32160374;25736332). This variant is also reported as Thr117His in the literature. It is absent or not present at a significant frequency in gnomAD. In conclusion, we classify ALPL p.Thr134His (c.400_401delinsCA) as a pathogenic variant.

Natera, Inc.
Classification: Pathogenic for Hypophosphatasia. Last evaluated: 2025-05-17. Review status: criteria provided, single submitter. Criteria: Natera Variant Classification Schema (03/2026). Collection method: clinical testing. Allele origin: germline.
Comment: The c.400_401delACinsCA variant in ALPL is a deletion-insertion (delins) variant predicted to replace one or more nucleotides with a different sequence. This variant is rare in the general population with a frequency below the threshold expected for the associated phenotype(s). This variant has been observed in one or more individuals affected with the associated recessive disease, as either homozygous or compound heterozygous with a second variant (PMID: 25731960, 18925618). Given the available evidence, this variant is classified as Pathogenic.

GeneDx
Classification: Pathogenic. Last evaluated: 2025-03-14. Review status: criteria provided, single submitter. Criteria: GeneDx Variant Classification Process June 2021. Collection method: clinical testing. Allele origin: germline. Affected: yes.
Comment: Published functional studies demonstrate the variant abolishes enzyme activity (PMID: 25736332); Missense variants in nearby residues reported in the Human Gene Mutation Database in individuals with hypophosphatasia (HGMD); In silico analysis indicates that this variant does not alter protein structure/function; This variant is associated with the following publications: (PMID: 25736332, 31969353, 17253930, 18386808, 19335222, 21956185, 11855933, 17409132, 18925618, 28401263, 30115096, 30719581, 32160374, 34633109)

Revvity Omics, Revvity
Classification: Likely pathogenic. Last evaluated: 2024-08-16. Review status: criteria provided, single submitter. Criteria: ACMG Guidelines, 2015. Collection method: clinical testing. Allele origin: germline.

Fulgent Genetics
Classification: Pathogenic for Adult hypophosphatasia; Infantile hypophosphatasia; Childhood hypophosphatasia. Last evaluated: 2024-04-20. Review status: criteria provided, single submitter. Criteria: ACMG Guidelines, 2015. Collection method: clinical testing. Allele origin: germline.

Women's Health and Genetics/Laboratory Corporation of America, LabCorp
Classification: Pathogenic for Hypophosphatasia. Last evaluated: 2024-04-18. Review status: criteria provided, single submitter. Criteria: LabCorp Variant Classification Summary - May 2015. Collection method: clinical testing. Allele origin: germline.
Comment: Variant summary: ALPL c.400_401delinsCA (p.Thr134His) results in a non-conservative amino acid change in the encoded protein sequence. Two of three in-silico tools predict a damaging effect of the variant on protein function. The variant allele was found at a frequency of 5.2e-05 in 250968 control chromosomes (gnomAD). c.400_401delinsCA has been reported in the literature in multiple individuals affected with Hypophosphatasia (e.g. del Angel_2020). These data indicate that the variant is very likely to be associated with disease. At least one publication reports experimental evidence evaluating an impact on protein function, finding that the variant results in 10%-<30% of normal enzymatic activity (del Angel_2020). The following publication has been ascertained in the context of this evaluation (PMID: 32160374). ClinVar contains an entry for this variant (Variation ID: 188877). Based on the evidence outlined above, the variant was classified as pathogenic.

Baylor Genetics
Classification: Pathogenic for Adult hypophosphatasia. Last evaluated: 2024-03-13. Review status: criteria provided, single submitter. Criteria: ACMG Guidelines, 2015. Collection method: clinical testing. Allele origin: unknown.

Counsyl
Classification: Likely pathogenic for Infantile hypophosphatasia. Last evaluated: 2014-07-10. Review status: no assertion criteria provided. Collection method: literature only. Allele origin: unknown. Inheritance: Autosomal recessive inheritance. Not counted in ClinVar's aggregate classification.

Literature cited by the submitters: PubMed 11855933 (cited by 3 submitters); PubMed 17409132 (cited by 3 submitters); PubMed 18386808 (cited by 3 submitters); PubMed 18925618 (cited by 4 submitters); PubMed 19335222 (cited by 3 submitters); PubMed 32973344 (cited by Genomenon, Inc); PubMed 30719581 (cited by Genomenon, Inc); PubMed 32762706 (cited by Genomenon, Inc); PubMed 25736332 (cited by Genomenon, Inc); PubMed 25731960 (cited by Genomenon, Inc and Natera, Inc.); PubMed 17253930 (cited by Genomenon, Inc and Counsyl); PubMed 32160374 (cited by Genomenon, Inc and Women's Health and Genetics/Laboratory Corporation of America, LabCorp); PubMed 21956185 (cited by Counsyl).

NM_000478.6(ALPL):c.400_401delinsCA (p.Thr134His)

Gene: ALPL (alkaline phosphatase, biomineralization associated; plus strand). Cytogenetic location: 1p36.12.
Variant type: Indel.
Coding change: c.400_401delinsCA on transcript NM_000478.6 (MANE Select); coding-DNA positions 400 to 401, AC replaced by CA.
Protein change: p.Thr134His; replaces threonine 134 with histidine.
Molecular consequence: missense variant.
Genome position (GRCh38, 1-based): chr1:21,563,212-21,563,213, AC replaced by CA. VCF-style: chr1-21563212-AC-CA. GRCh37 (hg19) VCF-style: chr1-21889705-AC-CA.
Other names: c.235_236delinsCA, p.Thr79His (NM_001127501.4); c.169_170delinsCA, p.Thr57His (NM_001177520.3); c.400_401delinsCA, p.Thr134His (NM_001369803.2, NM_001369804.2, NM_001369805.2); c.400_401delinsCA (NM_000478.5, NM_000478.4); short protein forms T134H, T57H, T79H.
Identifiers: ClinVar variation 188877 (VCV000188877.28), dbSNP rs786204530, ClinGen allele CA274069.